The following is an entry in ClinVar:

ClinVar aggregate classification (germline): Likely benign (1 of 4 stars; one submission).

Allele frequency attached by ClinVar (database versions not stated): gnomAD exomes 0.00030; gnomAD 0.00325 and 0.00349; TOPMed 0.00357; 1000 Genomes Project 0.00419; 1000 Genomes Project 30x 0.00547.
gnomAD v4.1: 653 of 666,312 alleles (0.098%); highest among the groups gnomAD compares: African/African-American, 1.1%; 5 homozygotes.

Submission:

GeneDx
Classification: Likely benign. Last evaluated: 2018-06-16. Review status: criteria provided, single submitter. Criteria: GeneDx Variant Classification (06012015). Collection method: clinical testing. Allele origin: germline. Affected: yes.
Comment: This variant is considered likely benign or benign based on one or more of the following criteria: it is a conservative change, it occurs at a poorly conserved position in the protein, it is predicted to be benign by multiple in silico algorithms, and/or has population frequency not consistent with disease.

NM_006294.5(UQCRB):c.20-143T>C

Gene: UQCRB (ubiquinol-cytochrome c reductase binding protein; minus strand). Cytogenetic location: 8q22.1.
Variant type: single nucleotide variant.
Coding change: c.20-143T>C on transcript NM_006294.5 (MANE Select); 143 bases into the intron before coding-DNA position 20, T replaced by C.
Molecular consequence: intron variant.
Genome position (GRCh38, 1-based): chr8:96,233,370, A>G on the plus strand (T>C on the coding strand, the complement: UQCRB is on the minus strand). VCF-style: chr8-96233370-A-G. GRCh37 (hg19) VCF-style: chr8-97245598-A-G.
Other names: c.20-143T>C (NM_001254752.2); c.-77-143T>C (NM_001199975.3).
Identifiers: ClinVar variation 678336 (VCV000678336.1), dbSNP rs115154948, ClinGen allele CA181511685.